The following is an entry in ClinVar:

ClinVar aggregate classification (germline): Uncertain significance (1 of 4 stars; one submission).

Submission:

Women's Health and Genetics/Laboratory Corporation of America, LabCorp
Classification: Uncertain significance. Last evaluated: 2026-03-03. Review status: criteria provided, single submitter. Criteria: LabCorp Variant Classification Summary - May 2015. Collection method: clinical testing. Allele origin: germline.
Comment: Variant summary: The variant involves the duplication of the 3'-portion of exon 24 through exon 25, and the 5'-portion of exon 26 in the TNXB gene. A presumed nomenclature of TNXB c.8444_8820dup (p.Pro2940_Ser2941insArgCysProProTrpValX) has been designated for the purposes of this classification. Since this variant might also affect splicing, therefore in silico predictions of the overall protein level effect might be unreliable. The variant was absent in ~464000 control chromosomes in the gnomAD database (CNVs v4.1 dataset). However, the TNXB gene is known to be located in a region affected by copy number variability and pseudogene interference, therefore the gnomAD frequency data for copy number variants in this region might not be reliable. The available data on variant occurrences in the general population are insufficient to allow any conclusion about variant significance. To our knowledge, no occurrence of c.8444_8820dup2916 in individuals affected with TNXB-related conditions and no experimental evidence demonstrating its impact on protein function have been reported. No submitters have cited clinical-significance assessments for this variant to ClinVar. Based on the evidence outlined above, the variant was classified as uncertain significance.

NM_019105.8:c.8444_8820dup

Gene: TNXB (tenascin XB; minus strand).
Variant type: Duplication.
Other names: c.8444_8820dup (NM_019105.8).
Identifiers: ClinVar variation 4847532 (VCV004847532.1).